The following is an entry in ClinVar:

NM_177438.3(DICER1):c.78T>C (p.Pro26=)

Gene: DICER1 (dicer 1, ribonuclease III; minus strand). Cytogenetic location: 14q32.13.
Variant type: single nucleotide variant.
Coding change: c.78T>C on transcript NM_177438.3 (MANE Select); coding-DNA position 78, T replaced by C.
Protein change: p.Pro26=; no amino-acid change (proline 26 retained).
Molecular consequence: synonymous variant.
Genome position (GRCh38, 1-based): chr14:95,133,381, A>G on the plus strand (T>C on the coding strand, the complement: DICER1 is on the minus strand). VCF-style: chr14-95133381-A-G. GRCh37 (hg19) VCF-style: chr14-95599718-A-G.
Other names: c.78T>C, p.Pro26= (NM_001195573.1, NM_001271282.3, NM_001291628.2 and 1 more transcripts).
Identifiers: ClinVar variation 483409 (VCV000483409.18), dbSNP rs759653160, ClinGen allele CA7331750.

ClinVar aggregate classification (germline): Benign/Likely benign. Review status: criteria provided, multiple submitters, no conflicts (2 of 4 stars). 3 submissions from 3 submitters: Benign (1); Likely benign (2). Last evaluated 2026-04-14.

Conditions:
DICER1-related tumor predisposition. Also called: DICER1-related pleuropulmonary blastoma cancer predisposition syndrome; DICER1 syndrome. Identifiers: Orphanet 284343, MedGen C3839822, MONDO:0100216.
Hereditary cancer-predisposing syndrome. Also called: Hereditary neoplastic syndrome; Neoplastic Syndromes, Hereditary; Hereditary Cancer Syndrome; Tumor predisposition. Identifiers: Orphanet 140162, MedGen C0027672, MeSH D009386, MONDO:0015356.

Allele frequency attached by ClinVar (database versions not stated): gnomAD 0.00001; gnomAD exomes 0.00001; ExAC 0.00002; TOPMed 0.00001.
gnomAD v4.1: 5 of 1,614,058 alleles (0.00031%); highest among the groups gnomAD compares: East Asian, 0.011%; no homozygotes.

Submissions (3):

Myriad Genetics, Inc.
Classification: Benign for DICER1-related tumor predisposition. Last evaluated: 2026-04-14. Review status: criteria provided, single submitter. Criteria: Myriad Autosomal Dominant, Autosomal Recessive and X-Linked Classification Criteria (2023). Collection method: clinical testing. Allele origin: unknown.
Comment: This variant is considered benign. This variant is a silent/synonymous amino acid change and it is not expected to impact splicing.

Labcorp Genetics (formerly Invitae), Labcorp
Classification: Likely benign for DICER1-related tumor predisposition. Last evaluated: 2025-11-25. Review status: criteria provided, single submitter. Criteria: Invitae Variant Classification Sherloc (09022015). Collection method: clinical testing. Allele origin: germline.

Ambry Genetics
Classification: Likely benign for Hereditary cancer-predisposing syndrome. Last evaluated: 2017-07-14. Review status: criteria provided, single submitter. Criteria: Ambry Variant Classification Scheme 2023. Collection method: clinical testing. Allele origin: germline.